The following is an entry in ClinVar:

ClinVar aggregate classification (germline): Conflicting classifications of pathogenicity. Review status: criteria provided, conflicting classifications (1 of 4 stars). 5 submissions from 5 submitters: Uncertain significance (4); Likely benign (1). Last evaluated 2024-12-16.

Conditions:
Fanconi anemia complementation group P. Also called: SLX4-Related Fanconi Anemia. Identifiers: Orphanet 84, MedGen C3469542, MONDO:0013499, OMIM 613951.
Fanconi anemia (FA). Also called: Fanconi's anemia. Identifiers: Orphanet 84, MedGen C0015625, MeSH D005199, MONDO:0019391.

Allele frequency attached by ClinVar (database versions not stated): ExAC 0.00004; gnomAD exomes 0.00006; ESP Exome Variant Server 0.00008; TOPMed 0.00014; gnomAD 0.00018.
gnomAD v4.1: 77 of 1,614,054 alleles (0.0048%); highest among the groups gnomAD compares: African/African-American, 0.055%; no homozygotes.

Submissions (5):

Labcorp Genetics (formerly Invitae), Labcorp
Classification: Uncertain significance for Fanconi anemia. Last evaluated: 2024-12-16. Review status: criteria provided, single submitter. Criteria: Invitae Variant Classification Sherloc (09022015). Collection method: clinical testing. Allele origin: germline.
Comment: This sequence change replaces proline, which is neutral and non-polar, with leucine, which is neutral and non-polar, at codon 1527 of the SLX4 protein (p.Pro1527Leu). This variant is present in population databases (rs149362820, gnomAD 0.04%). This variant has not been reported in the literature in individuals affected with SLX4-related conditions. ClinVar contains an entry for this variant (Variation ID: 436791). An algorithm developed to predict the effect of missense changes on protein structure and function outputs the following: PolyPhen-2: "Benign". The leucine amino acid residue is found in multiple mammalian species, which suggests that this missense change does not adversely affect protein function. In summary, the available evidence is currently insufficient to determine the role of this variant in disease. Therefore, it has been classified as a Variant of Uncertain Significance.

Blueprint Genetics
Classification: Likely benign. Last evaluated: 2024-10-22. Review status: criteria provided, single submitter. Criteria: ACMG Guidelines, 2015. Collection method: clinical testing. Allele origin: germline.

Fulgent Genetics
Classification: Uncertain significance for Fanconi anemia complementation group P. Last evaluated: 2022-04-21. Review status: criteria provided, single submitter. Criteria: ACMG Guidelines, 2015. Collection method: clinical testing. Allele origin: unknown.

Illumina Laboratory Services, Illumina
Classification: Uncertain significance for Fanconi anemia complementation group P. Last evaluated: 2018-01-13. Review status: criteria provided, single submitter. Criteria: ICSL Variant Classification Criteria 13 December 2019. Collection method: clinical testing. Allele origin: germline.

Genetic Services Laboratory, University of Chicago
Classification: Uncertain significance. Last evaluated: 2016-11-02. Review status: criteria provided, single submitter. Criteria: ACMG Guidelines, 2015. Collection method: clinical testing. Allele origin: germline. Affected: no.

NM_032444.4(SLX4):c.4580C>T (p.Pro1527Leu)

Gene: SLX4 (SLX4 structure-specific endonuclease subunit; minus strand). Cytogenetic location: 16p13.3.
Variant type: single nucleotide variant.
Coding change: c.4580C>T on transcript NM_032444.4 (MANE Select); coding-DNA position 4580, C replaced by T.
Protein change: p.Pro1527Leu; replaces proline 1527 with leucine.
Molecular consequence: missense variant.
Genome position (GRCh38, 1-based): chr16:3,589,058, G>A on the plus strand (C>T on the coding strand, the complement: SLX4 is on the minus strand). VCF-style: chr16-3589058-G-A. GRCh37 (hg19) VCF-style: chr16-3639059-G-A.
Other names: c.4580C>T (LRG_503t1); short protein forms P1527L.
Identifiers: ClinVar variation 436791 (VCV000436791.14), dbSNP rs149362820, ClinGen allele CA7865595.